The following is an entry in ClinVar:

ClinVar aggregate classification (germline): Uncertain significance. Review status: criteria provided, multiple submitters, no conflicts (2 of 4 stars). 2 submissions from 2 submitters: Uncertain significance (2). Last evaluated 2026-03-31.

Conditions:
Hereditary nonpolyposis colorectal neoplasms. Identifiers: MedGen C0009405, MeSH D003123.
Hereditary cancer-predisposing syndrome. Also called: Hereditary neoplastic syndrome; Neoplastic Syndromes, Hereditary; Tumor predisposition; Hereditary Cancer Syndrome. Identifiers: Orphanet 140162, MedGen C0027672, MeSH D009386, MONDO:0015356.

Submissions (2):

Ambry Genetics
Classification: Uncertain significance for Hereditary cancer-predisposing syndrome. Last evaluated: 2026-03-31. Review status: criteria provided, single submitter. Criteria: Ambry Variant Classification Scheme 2023. Collection method: clinical testing. Allele origin: germline.
Comment: The p.N1273D variant (also known as c.3817A>G), located in coding exon 9 of the MSH6 gene, results from an A to G substitution at nucleotide position 3817. The asparagine at codon 1273 is replaced by aspartic acid, an amino acid with highly similar properties. This amino acid position is conserved. In addition, the in silico prediction for this alteration is inconclusive. Based on the available evidence, the clinical significance of this variant remains unclear.

Labcorp Genetics (formerly Invitae), Labcorp
Classification: Uncertain significance for Hereditary nonpolyposis colorectal neoplasms. Last evaluated: 2022-04-21. Review status: criteria provided, single submitter. Criteria: Invitae Variant Classification Sherloc (09022015). Collection method: clinical testing. Allele origin: germline.
Comment: This sequence change replaces asparagine, which is neutral and polar, with aspartic acid, which is acidic and polar, at codon 1273 of the MSH6 protein (p.Asn1273Asp). This variant is not present in population databases (gnomAD no frequency). In summary, the available evidence is currently insufficient to determine the role of this variant in disease. Therefore, it has been classified as a Variant of Uncertain Significance. Algorithms developed to predict the effect of missense changes on protein structure and function are either unavailable or do not agree on the potential impact of this missense change (SIFT: "Tolerated"; PolyPhen-2: "Probably Damaging"; Align-GVGD: "Class C0"). ClinVar contains an entry for this variant (Variation ID: 1004926). This variant has not been reported in the literature in individuals affected with MSH6-related conditions.

NM_000179.3(MSH6):c.3817A>G (p.Asn1273Asp)

Gene: MSH6 (mutS homolog 6; plus strand). Cytogenetic location: 2p16.3.
Variant type: single nucleotide variant.
Coding change: c.3817A>G on transcript NM_000179.3 (MANE Select); coding-DNA position 3817, A replaced by G.
Protein change: p.Asn1273Asp; replaces asparagine 1273 with aspartic acid.
Molecular consequence: missense variant.
Genome position (GRCh38, 1-based): chr2:47,806,467, A>G. VCF-style: chr2-47806467-A-G. GRCh37 (hg19) VCF-style: chr2-48033606-A-G.
Other names: c.3817A>G (NM_000179.2); c.3427A>G, p.Asn1143Asp (NM_001281492.2); c.2911A>G, p.Asn971Asp (NM_001281493.2, NM_001281494.2); short protein forms N1143D, N1273D, N971D.
Identifiers: ClinVar variation 1004926 (VCV001004926.10), dbSNP rs1320711528, ClinGen allele CA346761242.